The following is an entry in ClinVar:

ClinVar aggregate classification (germline): Uncertain significance (1 of 4 stars; one submission).

Allele frequency attached by ClinVar (database versions not stated): ExAC 0.00001.
gnomAD v4.1: 7 of 1,596,358 alleles (0.00044%); highest among the groups gnomAD compares: Non-Finnish European, 0.00059%; no homozygotes.

Submission:

Labcorp Genetics (formerly Invitae), Labcorp
Classification: Uncertain significance. Last evaluated: 2023-01-10. Review status: criteria provided, single submitter. Criteria: Invitae Variant Classification Sherloc (09022015). Collection method: clinical testing. Allele origin: germline.
Comment: In summary, the available evidence is currently insufficient to determine the role of this variant in disease. Therefore, it has been classified as a Variant of Uncertain Significance. Algorithms developed to predict the effect of missense changes on protein structure and function (SIFT, PolyPhen-2, Align-GVGD) all suggest that this variant is likely to be tolerated. This variant has not been reported in the literature in individuals affected with OTOGL-related conditions. This variant is present in population databases (rs765437712, gnomAD 0.002%). This sequence change replaces proline, which is neutral and non-polar, with threonine, which is neutral and polar, at codon 291 of the OTOGL protein (p.Pro291Thr).

NM_001378609.3(OTOGL):c.898C>A (p.Pro300Thr)

Gene: OTOGL (otogelin like; plus strand). Cytogenetic location: 12q21.31.
Variant type: single nucleotide variant.
Coding change: c.898C>A on transcript NM_001378609.3 (MANE Select); coding-DNA position 898, C replaced by A.
Protein change: p.Pro300Thr; replaces proline 300 with threonine.
Molecular consequence: missense variant.
Genome position (GRCh38, 1-based): chr12:80,238,931, C>A. VCF-style: chr12-80238931-C-A. GRCh37 (hg19) VCF-style: chr12-80632711-C-A.
Other names: c.898C>A, p.Pro300Thr (NM_001368062.3, NM_001378610.3, NM_173591.7); short protein forms P300T.
Identifiers: ClinVar variation 2898204 (VCV002898204.3), dbSNP rs765437712, ClinGen allele CA6700294.
Genomic context (GRCh38, chr12:80,238,931, plus strand): 5'-GCTATGTTTGCAAATAGTTGGTCGGTGCAAACTCCAGATGACACCAAATGTGTACTCACA[C>A]CCTCAGATTTTCCAAATCCGTGCTCCAGTGGAATGCCAGCATTTGAGGTAAATTTGATGT-3'
Protein context (NP_001365538.2, residues 290-310): TPDDTKCVLT[Pro300Thr]SDFPNPCSSG